The following is an entry in ClinVar:

ClinVar aggregate classification (germline): Uncertain significance. Review status: criteria provided, multiple submitters, no conflicts (2 of 4 stars). 3 submissions from 3 submitters: Uncertain significance (3). Last evaluated 2024-10-08.

Conditions:
Deficiency of iodide peroxidase (TDH2A). Also called: HYPOTHYROIDISM, CONGENITAL, DUE TO DYSHORMONOGENESIS, 2A; IODIDE PEROXIDASE DEFICIENCY; THYROID HORMONOGENESIS, GENETIC DEFECT IN, 2A; THYROID PEROXIDASE DEFICIENCY; Thyroid dyshormonogenesis 2A. Identifiers: Orphanet 95716, MedGen C1291299, MONDO:0010133, OMIM 274500.

Allele frequency attached by ClinVar (database versions not stated): gnomAD 0.00004 and 0.00005; TOPMed 0.00005; ExAC 0.00011; gnomAD exomes 0.00013.
gnomAD v4.1: 186 of 1,556,638 alleles (0.012%); highest among the groups gnomAD compares: Middle Eastern, 0.35%; 2 homozygotes.

Submissions (3):

Women's Health and Genetics/Laboratory Corporation of America, LabCorp
Classification: Uncertain significance. Last evaluated: 2024-10-08. Review status: criteria provided, single submitter. Criteria: LabCorp Variant Classification Summary - May 2015. Collection method: clinical testing. Allele origin: germline.
Comment: Variant summary: TPO c.*124G>C is located in the untranslated mRNA region downstream of the termination codon. The variant allele was found at a frequency of 0.00013 in 165696 control chromosomes. This frequency is not significantly higher than estimated for a pathogenic variant in TPO causing Deficiency Of Iodide Peroxidase (0.00013 vs 0.0071), allowing no conclusion about variant significance. To our knowledge, no occurrence of c.*124G>C in individuals affected with Deficiency Of Iodide Peroxidase and no experimental evidence demonstrating its impact on protein function have been reported. ClinVar contains an entry for this variant (Variation ID: 331646). Based on the evidence outlined above, the variant was classified as uncertain significance.

Illumina Laboratory Services, Illumina
Classification: Uncertain significance for Deficiency of iodide peroxidase. Last evaluated: 2018-01-12. Review status: criteria provided, single submitter. Criteria: ICSL Variant Classification Criteria 13 December 2019. Collection method: clinical testing. Allele origin: germline.

Breakthrough Genomics
Classification: Uncertain significance. Review status: criteria provided, single submitter. Criteria: ACMG Guidelines, 2015. Collection method: not provided. Allele origin: germline. Inheritance: Autosomal recessive inheritance. Affected: yes.

NM_001206744.2(TPO):c.*124G>C

Genes: TPO (thyroid peroxidase; plus strand), LALTOP (lung cancer associated lncRNA targeting TOP2A; minus strand). Cytogenetic location: 2p25.3.
Variant type: single nucleotide variant.
Coding change: c.*124G>C on transcript NM_001206744.2 (MANE Select); 124 bases downstream of the stop codon, G replaced by C.
Molecular consequence: 3 prime UTR variant.
Genome position (GRCh38, 1-based): chr2:1,542,598, G>C. VCF-style: chr2-1542598-G-C. GRCh37 (hg19) VCF-style: chr2-1546370-G-C.
Other names: c.*124G>C (NM_000547.6, NM_001206745.2, NM_175719.4 and 2 more transcripts).
Identifiers: ClinVar variation 331646 (VCV000331646.7), dbSNP rs747816995, ClinGen allele CA1512401.